The following is an entry in ClinVar:

NM_033419.5(PGAP3):c.549C>T (p.Cys183=)

Gene: PGAP3 (post-GPI attachment to proteins phospholipase 3; minus strand). Cytogenetic location: 17q12.
Variant type: single nucleotide variant.
Coding change: c.549C>T on transcript NM_033419.5 (MANE Select); coding-DNA position 549, C replaced by T.
Protein change: p.Cys183=; no amino-acid change (cysteine 183 retained).
Molecular consequence: synonymous variant. On other transcripts: intron variant (1).
Genome position (GRCh38, 1-based): chr17:39,674,001, G>A on the plus strand (C>T on the coding strand, the complement: PGAP3 is on the minus strand). VCF-style: chr17-39674001-G-A. GRCh37 (hg19) VCF-style: chr17-37830254-G-A.
Other names: c.396C>T, p.Cys132= (NM_001291726.2); c.486C>T, p.Cys162= (NM_001291728.2, NM_001291732.2); c.549C>T, p.Cys183= (NM_001291730.2); c.433-1135C>T (NM_001291733.2).
Identifiers: ClinVar variation 2186366 (VCV002186366.27), dbSNP rs761150515, ClinGen allele CA8533330.

ClinVar aggregate classification (germline): Likely benign. Review status: criteria provided, multiple submitters, no conflicts (2 of 4 stars). 2 submissions from 2 submitters: Likely benign (2). Last evaluated 2025-04-07.

Allele frequency attached by ClinVar (database versions not stated): TOPMed 0.00002; ExAC 0.00003; gnomAD exomes 0.00003; gnomAD 0.00005.
gnomAD v4.1: 49 of 1,613,888 alleles (0.003%); highest among the groups gnomAD compares: South Asian, 0.025%; no homozygotes.

Submissions (2):

Labcorp Genetics (formerly Invitae), Labcorp
Classification: Likely benign. Last evaluated: 2025-04-07. Review status: criteria provided, single submitter. Criteria: Invitae Variant Classification Sherloc (09022015). Collection method: clinical testing. Allele origin: germline.

CeGaT Center for Human Genetics Tuebingen
Classification: Likely benign. Last evaluated: 2023-11-01. Review status: criteria provided, single submitter. Criteria: CeGaT Center For Human Genetics Tuebingen Variant Classification Criteria Version 2. Collection method: clinical testing. Allele origin: germline. Affected: yes. Observed: 1 variant allele.
Comment: PGAP3: BP4, BP7